The following is an entry in ClinVar:

NM_001148.6(ANK2):c.1762G>C (p.Ala588Pro)

Gene: ANK2 (ankyrin 2; plus strand). Cytogenetic location: 4q26.
Variant type: single nucleotide variant.
Coding change: c.1762G>C on transcript NM_001148.6 (MANE Select); coding-DNA position 1762, G replaced by C.
Protein change: p.Ala588Pro; replaces alanine 588 with proline.
Molecular consequence: missense variant.
Genome position (GRCh38, 1-based): chr4:113,277,915, G>C. VCF-style: chr4-113277915-G-C. GRCh37 (hg19) VCF-style: chr4-114199071-G-C.
Other names: c.1807G>C, p.Ala603Pro (NM_001354242.2, NM_001386152.1, NM_001354230.2 and 5 more transcripts); c.1699G>C, p.Ala567Pro (NM_001354243.2, NM_001354244.2, NM_001354262.2 and 14 more transcripts); c.1762G>C, p.Ala588Pro (NM_001354245.2, NM_001354246.2, NM_001354265.2 and 8 more transcripts); c.1720G>C, p.Ala574Pro (NM_001354261.2, NM_001386147.1, NM_001386160.1); c.1675G>C, p.Ala559Pro (NM_001354264.2, NM_001354266.2, NM_001354267.2 and 13 more transcripts); c.1552G>C, p.Ala518Pro (NM_001354269.3); c.1750G>C, p.Ala584Pro (NM_001386148.2, NM_001386186.2); c.1564G>C, p.Ala522Pro (NM_001354273.2); and 4 more; short protein forms A584P, A522P, A567P, A588P, A597P, A518P, A559P, A574P.
Identifiers: ClinVar variation 2178706 (VCV002178706.4), dbSNP rs749143768, ClinGen allele CA357911293.

ClinVar aggregate classification (germline): Uncertain significance (1 of 4 stars; one submission).

Conditions:
Long QT syndrome (LQTS). Identifiers: MedGen C0023976, MeSH D008133, MONDO:0002442. Disease mechanism: loss of function. Inheritance: Various modes of inheritance.

gnomAD v4.1: 1 of 1,613,852 alleles (0.000062%); highest among the groups gnomAD compares: Admixed American, 0.0017%; no homozygotes.

Submission:

Labcorp Genetics (formerly Invitae), Labcorp
Classification: Uncertain significance for Long QT syndrome. Last evaluated: 2022-06-03. Review status: criteria provided, single submitter. Criteria: Invitae Variant Classification Sherloc (09022015). Collection method: clinical testing. Allele origin: germline.
Comment: Algorithms developed to predict the effect of missense changes on protein structure and function (SIFT, PolyPhen-2, Align-GVGD) all suggest that this variant is likely to be tolerated. In summary, the available evidence is currently insufficient to determine the role of this variant in disease. Therefore, it has been classified as a Variant of Uncertain Significance. This variant has not been reported in the literature in individuals affected with ANK2-related conditions. This sequence change replaces alanine, which is neutral and non-polar, with proline, which is neutral and non-polar, at codon 588 of the ANK2 protein (p.Ala588Pro). This variant is not present in population databases (gnomAD no frequency).